The following is an entry in ClinVar:

NM_001036.6(RYR3):c.8642C>T (p.Ser2881Phe)

Gene: RYR3 (ryanodine receptor 3; plus strand). Cytogenetic location: 15q14.
Variant type: single nucleotide variant.
Coding change: c.8642C>T on transcript NM_001036.6 (MANE Select); coding-DNA position 8642, C replaced by T.
Protein change: p.Ser2881Phe; replaces serine 2881 with phenylalanine.
Molecular consequence: missense variant.
Genome position (GRCh38, 1-based): chr15:33,757,533, C>T. VCF-style: chr15-33757533-C-T. GRCh37 (hg19) VCF-style: chr15-34049734-C-T.
Other names: c.8642C>T, p.Ser2881Phe (NM_001243996.4); short protein forms S2881F.
Identifiers: ClinVar variation 658142 (VCV000658142.8), dbSNP rs1342260343, ClinGen allele CA391586225.

ClinVar aggregate classification (germline): Uncertain significance (1 of 4 stars; one submission).

Conditions:
Epileptic encephalopathy. Identifiers: MedGen C0543888, HP:0200134.

Allele frequency attached by ClinVar (database versions not stated): gnomAD exomes below 0.00001; TOPMed 0.00001.
gnomAD v4.1: 1 of 1,611,234 alleles (0.000062%); highest among the groups gnomAD compares: African/African-American, 0.0013%; no homozygotes.

Submission:

Labcorp Genetics (formerly Invitae), Labcorp
Classification: Uncertain significance for Epileptic encephalopathy. Last evaluated: 2018-11-01. Review status: criteria provided, single submitter. Criteria: Invitae Variant Classification Sherloc (09022015). Collection method: clinical testing. Allele origin: germline.
Comment: In summary, the available evidence is currently insufficient to determine the role of this variant in disease. Therefore, it has been classified as a Variant of Uncertain Significance. Algorithms developed to predict the effect of missense changes on protein structure and function are either unavailable or do not agree on the potential impact of this missense change (SIFT: "Deleterious"; PolyPhen-2: "Possibly Damaging"; Align-GVGD: "Class C0"). This variant has not been reported in the literature in individuals with RYR3-related disease. This variant is not present in population databases (ExAC no frequency). This sequence change replaces serine with phenylalanine at codon 2881 of the RYR3 protein (p.Ser2881Phe). The serine residue is highly conserved and there is a large physicochemical difference between serine and phenylalanine.